The following is an entry in ClinVar:

ClinVar aggregate classification (germline): Uncertain significance (1 of 4 stars; one submission).

Conditions:
Intellectual developmental disorder, autosomal recessive 65. Also called: MENTAL RETARDATION, AUTOSOMAL RECESSIVE 65; Intellectual disability, autosomal recessive 65. Identifiers: MedGen C4748219, MONDO:0020850, OMIM 618109.

gnomAD v4.1: 18 of 1,611,956 alleles (0.0011%); highest among the groups gnomAD compares: East Asian, 0.0022%; no homozygotes.

Submission:

OLLIN Analises Genomicas, OLLIN
Classification: Uncertain significance for Intellectual developmental disorder, autosomal recessive 65. Last evaluated: 2026-08-06. Review status: criteria provided, single submitter. Criteria: ACMG Guidelines 2015 PMID 25741868. Collection method: clinical testing. Allele origin: germline. Inheritance: Autosomal recessive inheritance.
Comment: This missense variant, located in exon 4 (of 27), has been observed in gnomAD with an allele frequency of 0.0011%, but has not been reported in ClinVar or identified in the literature. In silico analysis predicts that this variant has a deleterious effect. According to the currently available evidence, this variant has been classified as uncertain significance (PM2_P, PP3).

NM_006618.5(KDM5B):c.562G>A (p.Gly188Arg)

Gene: KDM5B (lysine demethylase 5B; minus strand). Cytogenetic location: 1q32.1.
Variant type: single nucleotide variant.
Coding change: c.562G>A on transcript NM_006618.5 (MANE Select); coding-DNA position 562, G replaced by A.
Protein change: p.Gly188Arg; replaces glycine 188 with arginine.
Molecular consequence: missense variant.
Genome position (GRCh38, 1-based): chr1:202,773,132, C>T on the plus strand (G>A on the coding strand, the complement: KDM5B is on the minus strand). VCF-style: chr1-202773132-C-T. GRCh37 (hg19) VCF-style: chr1-202742260-C-T.
Other names: c.562G>A, p.Gly188Arg (NM_001314042.2, NM_001347591.2); c.547G>A, p.Gly183Arg (NM_001399817.1); short protein forms G188R, G183R.
Identifiers: ClinVar variation 5003171 (VCV005003171.1).